The following is an entry in ClinVar:

ClinVar aggregate classification (germline): Likely benign (1 of 4 stars; one submission).

Conditions:
EPG5-related disorder. Also called: EPG5-related condition. Identifiers: MedGen CN381528.

Submission:

PreventionGenetics, part of Exact Sciences
Classification: Likely benign for EPG5-related condition. Last evaluated: 2026-06-11. Review status: criteria provided, single submitter. Criteria: ACMG Guidelines, 2015. Collection method: clinical testing. Allele origin: germline.
Comment: This variant is classified as likely benign based on ACMG/AMP sequence variant interpretation guidelines (Richards et al. 2015 PMID: 25741868, with internal and published modifications).

NM_020964.3(EPG5):c.6622-13_6622-7dup

Gene: EPG5 (ectopic P-granules 5 autophagy tethering factor; minus strand). Cytogenetic location: 18q12.3.
Variant type: Duplication.
Coding change: c.6622-13_6622-7dup on transcript NM_020964.3 (MANE Select); 13 bases into the intron before coding-DNA position 6622 through 7 bases into the intron before coding-DNA position 6622, 7 bases duplicated (TTTTTTT; older notation c.6622-13_6622-7dupTTTTTTT).
Molecular consequence: intron variant.
Genome position (GRCh38, 1-based): chr18:45,865,766-45,865,772, AAAAAAA duplicated on the plus strand (TTTTTTT on the coding strand, the reverse complement: EPG5 is on the minus strand); duplicating any 7 consecutive bases within chr18:45,865,766-45,865,782 gives the same sequence; the c. name uses the placement nearest the transcript's 3' end. VCF-style (leftmost placement, unchanged base first): chr18-45865765-C-CAAAAAAA. GRCh37 (hg19) VCF-style: chr18-43445730-C-CAAAAAAA.
Other names: c.6622-13_6622-7dup (NM_001410858.1); c.6619-13_6619-7dup (NM_001410859.1).
Identifiers: ClinVar variation 4980299 (VCV004980299.1).